The following is an entry in ClinVar:

NM_001376.5(DYNC1H1):c.5698C>T (p.Leu1900=)

Gene: DYNC1H1 (dynein cytoplasmic 1 heavy chain 1; plus strand). Cytogenetic location: 14q32.31.
Variant type: single nucleotide variant.
Coding change: c.5698C>T on transcript NM_001376.5 (MANE Select); coding-DNA position 5698, C replaced by T.
Protein change: p.Leu1900=; no amino-acid change (leucine 1900 retained).
Molecular consequence: synonymous variant.
Genome position (GRCh38, 1-based): chr14:102,006,152, C>T. VCF-style: chr14-102006152-C-T. GRCh37 (hg19) VCF-style: chr14-102472489-C-T.
Identifiers: ClinVar variation 513917 (VCV000513917.13), dbSNP rs371157224, ClinGen allele CA7352456.

ClinVar aggregate classification (germline): Likely benign. Review status: criteria provided, multiple submitters, no conflicts (2 of 4 stars). 4 submissions from 4 submitters: Likely benign (4). Last evaluated 2026-01-19.

Conditions:
DYNC1H1-related disorder. Also called: DYNC1H1-related condition; DYNC1H1-related disorders. Identifiers: MedGen CN381529.
Charcot-Marie-Tooth disease axonal type 2O. Also called: Charcot-Marie-Tooth disease, axonal, type 20; CHARCOT-MARIE-TOOTH NEUROPATHY, AXONAL, TYPE 2O; CHARCOT-MARIE-TOOTH DISEASE, AXONAL, AUTOSOMAL DOMINANT, TYPE 2O; Charcot-Marie-Tooth Neuropathy Type 2O. Identifiers: Orphanet 284232, MedGen C3280220, MONDO:0013644, OMIM 614228.

Allele frequency attached by ClinVar (database versions not stated): gnomAD 0.00004; gnomAD exomes 0.00004 and 0.00006; TOPMed 0.00006; ExAC 0.00008; ESP Exome Variant Server 0.00015.

Submissions (4):

Labcorp Genetics (formerly Invitae), Labcorp
Classification: Likely benign for Charcot-Marie-Tooth disease axonal type 2O. Last evaluated: 2026-01-19. Review status: criteria provided, single submitter. Criteria: Invitae Variant Classification Sherloc (09022015). Collection method: clinical testing. Allele origin: germline.

PreventionGenetics, part of Exact Sciences
Classification: Likely benign for DYNC1H1-related condition. Last evaluated: 2025-07-15. Review status: criteria provided, single submitter. Criteria: ACMG Guidelines, 2015. Collection method: clinical testing. Allele origin: germline.
Comment: This variant is classified as likely benign based on ACMG/AMP sequence variant interpretation guidelines (Richards et al. 2015 PMID: 25741868, with internal and published modifications).

Blueprint Genetics
Classification: Likely benign. Last evaluated: 2022-03-04. Review status: criteria provided, single submitter. Criteria: ACMG Guidelines, 2015. Collection method: clinical testing. Allele origin: germline.

GeneDx
Classification: Likely benign. Last evaluated: 2017-12-11. Review status: criteria provided, single submitter. Criteria: GeneDx Variant Classification (06012015). Collection method: clinical testing. Allele origin: germline. Affected: yes.
Comment: This variant is considered likely benign or benign based on one or more of the following criteria: it is a conservative change, it occurs at a poorly conserved position in the protein, it is predicted to be benign by multiple in silico algorithms, and/or has population frequency not consistent with disease.